The following is an entry in ClinVar:

ClinVar aggregate classification (germline): Uncertain significance (1 of 4 stars; one submission).

Conditions:
Epileptic encephalopathy. Identifiers: MedGen C0543888, HP:0200134.

Allele frequency attached by ClinVar (database versions not stated): gnomAD exomes 0.00001 and 0.00003; ExAC 0.00003; TOPMed 0.00003; gnomAD 0.00006 and 0.00007; 1000 Genomes Project 30x 0.00031; 1000 Genomes Project 0.00040.
gnomAD v4.1: 25 of 1,614,014 alleles (0.0015%); highest among the groups gnomAD compares: Middle Eastern, 0.016%; 1 homozygote.

Submission:

Labcorp Genetics (formerly Invitae), Labcorp
Classification: Uncertain significance for Epileptic encephalopathy. Last evaluated: 2020-02-14. Review status: criteria provided, single submitter. Criteria: Invitae Variant Classification Sherloc (09022015). Collection method: clinical testing. Allele origin: germline.
Comment: This variant has not been reported in the literature in individuals with RYR3-related conditions. This sequence change replaces valine with isoleucine at codon 3977 of the RYR3 protein (p.Val3977Ile). The valine residue is weakly conserved and there is a small physicochemical difference between valine and isoleucine. This variant is present in population databases (rs539110280, ExAC 0.01%). Algorithms developed to predict the effect of missense changes on protein structure and function output the following: SIFT: "Tolerated"; PolyPhen-2: "Benign"; Align-GVGD: "Class C0". The isoleucine amino acid residue is found in multiple mammalian species, suggesting that this missense change does not adversely affect protein function. These predictions have not been confirmed by published functional studies and their clinical significance is uncertain. In summary, the available evidence is currently insufficient to determine the role of this variant in disease. Therefore, it has been classified as a Variant of Uncertain Significance.

NM_001036.6(RYR3):c.11929G>A (p.Val3977Ile)

Gene: RYR3 (ryanodine receptor 3; plus strand). Cytogenetic location: 15q14.
Variant type: single nucleotide variant.
Coding change: c.11929G>A on transcript NM_001036.6 (MANE Select); coding-DNA position 11929, G replaced by A.
Protein change: p.Val3977Ile; replaces valine 3977 with isoleucine.
Molecular consequence: missense variant.
Genome position (GRCh38, 1-based): chr15:33,837,909, G>A. VCF-style: chr15-33837909-G-A. GRCh37 (hg19) VCF-style: chr15-34130110-G-A.
Other names: c.11914G>A, p.Val3972Ile (NM_001243996.4); short protein forms V3977I, V3972I.
Identifiers: ClinVar variation 863368 (VCV000863368.10), dbSNP rs539110280, ClinGen allele CA7461325.